The following is an entry in ClinVar:

NM_147686.4(TRAF3IP2):c.233G>T (p.Arg78Leu)

Genes: TRAF3IP2 (TRAF3 interacting protein 2; minus strand), TRAF3IP2-AS1 (TRAF3IP2 antisense RNA 1; plus strand), LOC114803478 (TRAF3IP2 eExon liver enhancer; plus strand). Cytogenetic location: 6q21.
Variant type: single nucleotide variant.
Coding change: c.233G>T on transcript NM_147686.4 (MANE Select); coding-DNA position 233, G replaced by T.
Protein change: p.Arg78Leu; replaces arginine 78 with leucine.
Molecular consequence: missense variant.
Genome position (GRCh38, 1-based): chr6:111,591,854, C>A on the plus strand (G>T on the coding strand, the complement: TRAF3IP2 is on the minus strand). VCF-style: chr6-111591854-C-A. GRCh37 (hg19) VCF-style: chr6-111913057-C-A.
Other names: c.233G>T, p.Arg78Leu (NM_001164281.3); c.260G>T, p.Arg87Leu (NM_147200.3); short protein forms R87L, R78L.
Identifiers: ClinVar variation 967231 (VCV000967231.9), dbSNP rs973361796, ClinGen allele CA365369367.

ClinVar aggregate classification (germline): Uncertain significance (1 of 4 stars; one submission).

Conditions:
Candidiasis, familial, 8 (CANDF8). Identifiers: Orphanet 1334, MedGen C3714992, MONDO:0014230, OMIM 615527.

gnomAD v4.1: 1 of 1,614,080 alleles (0.000062%); highest among the groups gnomAD compares: Non-Finnish European, 0.000085%; no homozygotes.

Submission:

Labcorp Genetics (formerly Invitae), Labcorp
Classification: Uncertain significance for Candidiasis, familial, 8. Last evaluated: 2025-11-03. Review status: criteria provided, single submitter. Criteria: Invitae Variant Classification Sherloc (09022015). Collection method: clinical testing. Allele origin: germline.
Comment: This sequence change replaces arginine, which is basic and polar, with leucine, which is neutral and non-polar, at codon 78 of the TRAF3IP2 protein (p.Arg78Leu). This variant is not present in population databases (gnomAD no frequency). This variant has not been reported in the literature in individuals affected with TRAF3IP2-related conditions. ClinVar contains an entry for this variant (Variation ID: 967231). An algorithm developed to predict the effect of missense changes on protein structure and function (PolyPhen-2) suggests that this variant is likely to be tolerated. In summary, the available evidence is currently insufficient to determine the role of this variant in disease. Therefore, it has been classified as a Variant of Uncertain Significance.